The following is an entry in ClinVar:

ClinVar aggregate classification (germline): Pathogenic (1 of 4 stars; one submission).

Conditions:
Hereditary breast ovarian cancer syndrome. Also called: Hereditary breast and ovarian cancer syndrome; Hereditary breast and/or ovarian cancer syndrome; Hereditary breast and ovarian cancer; Breast and ovarian cancer; Hereditary breast and ovarian cancer syndrome (HBOC); BRCA1- and BRCA2-Associated Hereditary Breast and Ovarian Cancer. Identifiers: Orphanet 145, MedGen C0677776, MeSH D061325, MONDO:0003582. Disease mechanism: loss of function.

Submission:

Labcorp Genetics (formerly Invitae), Labcorp
Classification: Pathogenic for Hereditary breast ovarian cancer syndrome. Last evaluated: 2021-03-01. Review status: criteria provided, single submitter. Criteria: Invitae Variant Classification Sherloc (09022015). Collection method: clinical testing. Allele origin: germline.
Comment: For these reasons, this variant has been classified as Pathogenic. This variant has not been reported in the literature in individuals with BRCA2-related conditions. This variant is not present in population databases (ExAC no frequency). This sequence change creates a premature translational stop signal (p.Leu391Trpfs*8) in the BRCA2 gene. It is expected to result in an absent or disrupted protein product. Loss-of-function variants in BRCA2 are known to be pathogenic (PMID: 20104584).

Literature cited by the submitters: PubMed 20104584.

NM_000059.4(BRCA2):c.1172del (p.Leu391fs)

Gene: BRCA2 (BRCA2 DNA repair associated; plus strand). Cytogenetic location: 13q13.1.
Variant type: Deletion.
Coding change: c.1172del on transcript NM_000059.4 (MANE Select); coding-DNA position 1172, one base deleted (T; older notation c.1172delT).
Protein change: p.Leu391fs; shifts the reading frame from leucine 391.
Molecular consequence: frameshift variant.
Genome position (GRCh38, 1-based): chr13:32,332,650, T deleted; the last of 3 consecutive T bases (chr13:32,332,648-32,332,650); deleting any one gives the same sequence. VCF-style (leftmost placement, unchanged base first): chr13-32332647-CT-C. GRCh37 (hg19) VCF-style: chr13-32906784-CT-C.
Other names: short protein forms L391fs.
Identifiers: ClinVar variation 1429165 (VCV001429165.6), dbSNP rs2137468353, ClinGen allele CA2573149348.